The following is an entry in ClinVar:

ClinVar aggregate classification (germline): Uncertain significance. Review status: criteria provided, multiple submitters, no conflicts (2 of 4 stars). 5 submissions from 5 submitters: Uncertain significance (5). Last evaluated 2025-04-09.

Conditions:
Myofibrillar myopathy 5. Also called: FILAMINOPATHY, AUTOSOMAL DOMINANT; Filaminopathy (type). Identifiers: Orphanet 171445, MedGen C1836050, MONDO:0012289, OMIM 609524.
Distal myopathy with posterior leg and anterior hand involvement. Also called: WILLIAMS DISTAL MYOPATHY. Identifiers: Orphanet 63273, MedGen C3279722, MONDO:0013550, OMIM 614065.
Dilated Cardiomyopathy, Dominant.
Hypertrophic cardiomyopathy 26. Also called: Cardiomyopathy, familial hypertrophic, 26. Identifiers: Orphanet 75249, MedGen C4310749, MONDO:0014883, OMIM 617047.
Cardiovascular phenotype. Identifiers: MedGen CN230736.

Allele frequency attached by ClinVar (database versions not stated): gnomAD below 0.00001 and 0.00001; gnomAD exomes 0.00001; TOPMed 0.00002.
gnomAD v4.1: 18 of 1,614,076 alleles (0.0011%); highest among the groups gnomAD compares: South Asian, 0.0055%; no homozygotes.

Submissions (5):

Molecular Diagnostic Laboratory for Inherited Cardiovascular Disease, Montreal Heart Institute
Classification: Uncertain significance for Cardiovascular phenotype. Last evaluated: 2025-04-09. Review status: criteria provided, single submitter. Criteria: ACMG Guidelines, 2015. Collection method: clinical testing. Allele origin: germline. Affected: yes.

GeneDx
Classification: Uncertain significance. Last evaluated: 2024-04-24. Review status: criteria provided, single submitter. Criteria: GeneDx Variant Classification Process June 2021. Collection method: clinical testing. Allele origin: germline. Affected: yes.
Comment: Not observed at significant frequency in large population cohorts (gnomAD); In silico analysis supports that this missense variant has a deleterious effect on protein structure/function; Has not been previously published as pathogenic or benign to our knowledge

Labcorp Genetics (formerly Invitae), Labcorp
Classification: Uncertain significance for Distal myopathy with posterior leg and anterior hand involvement; Myofibrillar myopathy 5; Hypertrophic cardiomyopathy 26. Last evaluated: 2024-01-14. Review status: criteria provided, single submitter. Criteria: Invitae Variant Classification Sherloc (09022015). Collection method: clinical testing. Allele origin: germline.
Comment: This sequence change replaces alanine, which is neutral and non-polar, with valine, which is neutral and non-polar, at codon 1708 of the FLNC protein (p.Ala1708Val). This variant is not present in population databases (gnomAD no frequency). This missense change has been observed in individual(s) with clinical features of FLNC-related conditions (Invitae). ClinVar contains an entry for this variant (Variation ID: 472087). Advanced modeling of protein sequence and biophysical properties (such as structural, functional, and spatial information, amino acid conservation, physicochemical variation, residue mobility, and thermodynamic stability) has been performed at Invitae for this missense variant, however the output from this modeling did not meet the statistical confidence thresholds required to predict the impact of this variant on FLNC protein function. In summary, the available evidence is currently insufficient to determine the role of this variant in disease. Therefore, it has been classified as a Variant of Uncertain Significance.

Ambry Genetics
Classification: Uncertain significance for Cardiovascular phenotype. Last evaluated: 2023-11-21. Review status: criteria provided, single submitter. Criteria: Ambry Variant Classification Scheme 2023. Collection method: clinical testing. Allele origin: germline.
Comment: The p.A1708V variant (also known as c.5123C>T), located in coding exon 30 of the FLNC gene, results from a C to T substitution at nucleotide position 5123. The alanine at codon 1708 is replaced by valine, an amino acid with similar properties. This amino acid position is highly conserved in available vertebrate species. In addition, this alteration is predicted to be deleterious by in silico analysis. Since supporting evidence is limited at this time, the clinical significance of this alteration remains unclear.

Blueprint Genetics
Classification: Uncertain significance. Last evaluated: 2023-07-05. Review status: criteria provided, single submitter. Criteria: ACMG Guidelines, 2015. Collection method: clinical testing. Allele origin: germline.

NM_001458.5(FLNC):c.5123C>T (p.Ala1708Val)

Gene: FLNC (filamin C; plus strand). Cytogenetic location: 7q32.1.
Variant type: single nucleotide variant.
Coding change: c.5123C>T on transcript NM_001458.5 (MANE Select); coding-DNA position 5123, C replaced by T.
Protein change: p.Ala1708Val; replaces alanine 1708 with valine.
Molecular consequence: missense variant.
Genome position (GRCh38, 1-based): chr7:128,849,502, C>T. VCF-style: chr7-128849502-C-T. GRCh37 (hg19) VCF-style: chr7-128489556-C-T.
Other names: c.5123C>T, p.Ala1708Val (NM_001127487.2); short protein forms A1708V.
Identifiers: ClinVar variation 472087 (VCV000472087.9), dbSNP rs1011817473, ClinGen allele CA166185497.
Genomic context (GRCh38, chr7:128,849,502, plus strand): 5'-CAGAGCTCGATGTGGATGTGGTTGAGAACCATGACGGTACCTTTGACATCTACTACACAG[C>T]GCCCGAGCCGGGCAAGTACGTCATCACCATCCGCTTCGGGGGTGAGCACATCCCCAACAG-3'
Protein context (NP_001449.3, residues 1698-1718): HDGTFDIYYT[Ala1708Val]PEPGKYVITI